The following is an entry in ClinVar:

NM_017654.4(SAMD9):c.233C>A (p.Ala78Asp)

Gene: SAMD9 (sterile alpha motif domain containing 9; minus strand). Cytogenetic location: 7q21.2.
Variant type: single nucleotide variant.
Coding change: c.233C>A on transcript NM_017654.4 (MANE Select); coding-DNA position 233, C replaced by A.
Protein change: p.Ala78Asp; replaces alanine 78 with aspartic acid.
Molecular consequence: missense variant.
Genome position (GRCh38, 1-based): chr7:93,105,865, G>T on the plus strand (C>A on the coding strand, the complement: SAMD9 is on the minus strand). VCF-style: chr7-93105865-G-T. GRCh37 (hg19) VCF-style: chr7-92735178-G-T.
Other names: c.233C>A, p.Ala78Asp (NM_001193307.2); short protein forms A78D.
Identifiers: ClinVar variation 3949570 (VCV003949570.1).

ClinVar aggregate classification (germline): Uncertain significance (1 of 4 stars; one submission).

Conditions:
Inborn genetic diseases. Identifiers: MedGen C0950123, MeSH D030342.

Submission:

Ambry Genetics
Classification: Uncertain significance for Inborn genetic diseases. Last evaluated: 2025-04-19. Review status: criteria provided, single submitter. Criteria: Ambry Variant Classification Scheme 2023. Collection method: clinical testing. Allele origin: germline.
Comment: The p.A78D variant (also known as c.233C>A), located in coding exon 1 of the SAMD9 gene, results from a C to A substitution at nucleotide position 233. The alanine at codon 78 is replaced by aspartic acid, an amino acid with dissimilar properties. This amino acid position is conserved. In addition, this alteration is predicted to be tolerated by in silico analysis. Based on the available evidence, the clinical significance of this variant remains unclear.